The following is an entry in ClinVar:

ClinVar aggregate classification (germline): Uncertain significance (1 of 4 stars; one submission).

Conditions:
Oligodontia-cancer predisposition syndrome. Also called: TOOTH AGENESIS-COLORECTAL CANCER SYNDROME. Identifiers: Orphanet 300576, MedGen C1837750, MONDO:0012075, OMIM 608615. Disease mechanism: loss of function.

Allele frequency attached by ClinVar (database versions not stated): gnomAD exomes below 0.00001.
gnomAD v4.1: 1 of 1,614,204 alleles (0.000062%); highest among the groups gnomAD compares: Non-Finnish European, 0.000085%; no homozygotes.

Submission:

Labcorp Genetics (formerly Invitae), Labcorp
Classification: Uncertain significance for Oligodontia-cancer predisposition syndrome. Last evaluated: 2021-04-22. Review status: criteria provided, single submitter. Criteria: Invitae Variant Classification Sherloc (09022015). Collection method: clinical testing. Allele origin: germline.
Comment: In summary, the available evidence is currently insufficient to determine the role of this variant in disease. Therefore, it has been classified as a Variant of Uncertain Significance. Algorithms developed to predict the effect of missense changes on protein structure and function (SIFT, PolyPhen-2, Align-GVGD) all suggest that this variant is likely to be disruptive, but these predictions have not been confirmed by published functional studies and their clinical significance is uncertain. This variant has not been reported in the literature in individuals with AXIN2-related conditions. This variant is not present in population databases (ExAC no frequency). This sequence change replaces histidine with tyrosine at codon 726 of the AXIN2 protein (p.His726Tyr). The histidine residue is highly conserved and there is a moderate physicochemical difference between histidine and tyrosine.

NM_004655.4(AXIN2):c.2176C>T (p.His726Tyr)

Gene: AXIN2 (axin 2; minus strand). Cytogenetic location: 17q24.1.
Variant type: single nucleotide variant.
Coding change: c.2176C>T on transcript NM_004655.4 (MANE Select); coding-DNA position 2176, C replaced by T.
Protein change: p.His726Tyr; replaces histidine 726 with tyrosine.
Molecular consequence: missense variant.
Genome position (GRCh38, 1-based): chr17:65,535,687, G>A on the plus strand (C>T on the coding strand, the complement: AXIN2 is on the minus strand). VCF-style: chr17-65535687-G-A. GRCh37 (hg19) VCF-style: chr17-63531805-G-A.
Other names: c.1981C>T, p.His661Tyr (NM_001363813.1); short protein forms H661Y, H726Y.
Identifiers: ClinVar variation 1484726 (VCV001484726.8), dbSNP rs2144433529, ClinGen allele CA400675809.